The following is an entry in ClinVar:

NM_003070.5(SMARCA2):c.3448C>G (p.Pro1150Ala)

Gene: SMARCA2 (SWI/SNF related BAF chromatin remodeling complex subunit ATPase 2; plus strand). Cytogenetic location: 9p24.3.
Variant type: single nucleotide variant.
Coding change: c.3448C>G on transcript NM_003070.5 (MANE Select); coding-DNA position 3448, C replaced by G.
Protein change: p.Pro1150Ala; replaces proline 1150 with alanine.
Molecular consequence: missense variant.
Genome position (GRCh38, 1-based): chr9:2,110,409, C>G. VCF-style: chr9-2110409-C-G. GRCh37 (hg19) VCF-style: chr9-2110409-C-G.
Other names: c.3448C>G, p.Pro1150Ala (NM_001289396.2, NM_139045.4); c.3274C>G, p.Pro1092Ala (NM_001289397.2); short protein forms P1092A, P1150A.
Identifiers: ClinVar variation 1029502 (VCV001029502.1), dbSNP rs1822944896, ClinGen allele CA372788303.

ClinVar aggregate classification (germline): Uncertain significance (1 of 4 stars; one submission).

Conditions:
Nicolaides-Baraitser syndrome (NCBRS). Also called: Intellectual disability-sparse hair-brachydactyly syndrome; SMARCA2-Related Nicolaides-Baraitser Syndrome. Identifiers: Orphanet 3051, MedGen C1303073, MONDO:0011053, OMIM 601358.

Submission:

Baylor Genetics
Classification: Uncertain significance for Nicolaides-Baraitser syndrome. Last evaluated: 2019-12-13. Review status: criteria provided, single submitter. Criteria: ACMG Guidelines, 2015. Collection method: clinical testing. Allele origin: unknown. Affected: yes.
Comment: This variant was determined to be of uncertain significance according to ACMG Guidelines, 2015 [PMID:25741868].